The following is an entry in ClinVar:

ClinVar aggregate classification (germline): Benign/Likely benign. Review status: criteria provided, multiple submitters, no conflicts (2 of 4 stars). 2 submissions from 2 submitters: Benign (1); Likely benign (1). Last evaluated 2026-01-27.

Submissions (2):

Labcorp Genetics (formerly Invitae), Labcorp
Classification: Benign. Last evaluated: 2026-01-27. Review status: criteria provided, single submitter. Criteria: Invitae Variant Classification Sherloc (09022015). Collection method: clinical testing. Allele origin: germline.

CeGaT Center for Human Genetics Tuebingen
Classification: Likely benign. Last evaluated: 2022-11-01. Review status: criteria provided, single submitter. Criteria: CeGaT Center For Human Genetics Tuebingen Variant Classification Criteria Version 2. Collection method: clinical testing. Allele origin: germline. Affected: yes. Observed: 1 variant allele.
Comment: EIF2AK2: BS1

NM_001135651.3(EIF2AK2):c.1249-6del

Gene: EIF2AK2 (eukaryotic translation initiation factor 2 alpha kinase 2; minus strand). Cytogenetic location: 2p22.2.
Variant type: Deletion.
Coding change: c.1249-6del on transcript NM_001135651.3 (MANE Select); 6 bases into the intron before coding-DNA position 1249, one base deleted (T; older notation c.1249-6delT).
Molecular consequence: intron variant.
Genome position (GRCh38, 1-based): chr2:37,114,865, A deleted on the plus strand (T on the coding strand, the reverse complement: EIF2AK2 is on the minus strand); the first of 11 consecutive A bases (chr2:37,114,865-37,114,875); deleting any one gives the same sequence. VCF-style (leftmost placement, unchanged base first): chr2-37114864-GA-G. GRCh37 (hg19) VCF-style: chr2-37342007-GA-G.
Other names: c.1249-6del (NM_002759.4); c.1126-6del (NM_001135652.2).
Identifiers: ClinVar variation 2039687 (VCV002039687.27), dbSNP rs768511306, ClinGen allele CA1615052.